The following is an entry in ClinVar:

ClinVar aggregate classification (germline): Uncertain significance. Review status: criteria provided, multiple submitters, no conflicts (2 of 4 stars). 3 submissions from 3 submitters: Uncertain significance (3). Last evaluated 2024-03-06.

Conditions:
Hereditary cancer-predisposing syndrome. Also called: Tumor predisposition; Hereditary neoplastic syndrome; Hereditary Cancer Syndrome; Neoplastic Syndromes, Hereditary. Identifiers: Orphanet 140162, MedGen C0027672, MeSH D009386, MONDO:0015356.
Familial cancer of breast. Also called: BREAST CANCER, FAMILIAL; Hereditary breast cancer; hereditary breast carcinoma. Identifiers: Orphanet 227535, MedGen C0346153, MONDO:0016419, OMIM 114480. Disease mechanism: loss of function.

Submissions (3):

Color Diagnostics, LLC DBA Color Health
Classification: Uncertain significance for Hereditary cancer-predisposing syndrome. Last evaluated: 2024-03-06. Review status: criteria provided, single submitter. Criteria: ACMG Guidelines, 2015. Collection method: clinical testing. Allele origin: germline.
Comment: This missense variant replaces lysine with glutamic acid at codon 415 of the BARD1 protein. Computational prediction suggests that this variant may not impact protein structure and function (internally defined REVEL score threshold <= 0.5, PMID: 27666373). To our knowledge, functional studies have not been reported for this variant. This variant has not been reported in individuals affected with hereditary cancer in the literature. This variant has not been identified in the general population by the Genome Aggregation Database (gnomAD). The available evidence is insufficient to determine the role of this variant in disease conclusively. Therefore, this variant is classified as a Variant of Uncertain Significance.

Baylor Genetics
Classification: Uncertain significance for Familial cancer of breast. Last evaluated: 2023-10-23. Review status: criteria provided, single submitter. Criteria: ACMG Guidelines, 2015. Collection method: clinical testing. Allele origin: unknown.

Labcorp Genetics (formerly Invitae), Labcorp
Classification: Uncertain significance for Familial cancer of breast. Last evaluated: 2019-06-19. Review status: criteria provided, single submitter. Criteria: Invitae Variant Classification Sherloc (09022015). Collection method: clinical testing. Allele origin: germline.
Comment: In summary, the available evidence is currently insufficient to determine the role of this variant in disease. Therefore, it has been classified as a Variant of Uncertain Significance. Algorithms developed to predict the effect of missense changes on protein structure and function are either unavailable or do not agree on the potential impact of this missense change (SIFT: "Deleterious"; PolyPhen-2: "Benign"; Align-GVGD: "Class C0"). This variant has not been reported in the literature in individuals with BARD1-related conditions. This variant is not present in population databases (ExAC no frequency). This sequence change replaces lysine with glutamic acid at codon 415 of the BARD1 protein (p.Lys415Glu). The lysine residue is highly conserved and there is a small physicochemical difference between lysine and glutamic acid.

NM_000465.4(BARD1):c.1243A>G (p.Lys415Glu)

Gene: BARD1 (BRCA1 associated RING domain 1; minus strand). Cytogenetic location: 2q35.
Variant type: single nucleotide variant.
Coding change: c.1243A>G on transcript NM_000465.4 (MANE Select); coding-DNA position 1243, A replaced by G.
Protein change: p.Lys415Glu; replaces lysine 415 with glutamic acid.
Molecular consequence: missense variant. On other transcripts: non-coding transcript variant (2), intron variant (3).
Genome position (GRCh38, 1-based): chr2:214,780,631, T>C on the plus strand (A>G on the coding strand, the complement: BARD1 is on the minus strand). VCF-style: chr2-214780631-T-C. GRCh37 (hg19) VCF-style: chr2-215645355-T-C.
Other names: c.1186A>G, p.Lys396Glu (NM_001282543.2); c.159-28076A>G (NM_001282548.2); c.215+16430A>G (NM_001282545.2); c.364+11666A>G (NM_001282549.2); short protein forms K396E, K415E.
Identifiers: ClinVar variation 937257 (VCV000937257.15), dbSNP rs1694943608, ClinGen allele CA350453580.